The following is an entry in ClinVar:

NM_016169.4(SUFU):c.157C>T (p.Gln53Ter)

Gene: SUFU (SUFU negative regulator of hedgehog signaling; plus strand). Cytogenetic location: 10q24.32.
Variant type: single nucleotide variant.
Coding change: c.157C>T on transcript NM_016169.4 (MANE Select); coding-DNA position 157, C replaced by T.
Protein change: p.Gln53Ter; replaces glutamine 53 with a stop codon.
Molecular consequence: nonsense.
Genome position (GRCh38, 1-based): chr10:102,504,309, C>T. VCF-style: chr10-102504309-C-T. GRCh37 (hg19) VCF-style: chr10-104264066-C-T.
Other names: c.157C>T, p.Gln53Ter (NM_001178133.2); short protein forms Q53*.
Identifiers: ClinVar variation 1453994 (VCV001453994.6), dbSNP rs2135598685, ClinGen allele CA377886692.

ClinVar aggregate classification (germline): Pathogenic (1 of 4 stars; one submission).

Conditions:
Gorlin syndrome. Also called: Nevoid Basal Cell Carcinoma Syndrome; Basal cell nevus syndrome. Identifiers: Orphanet 377, MedGen C0004779, MONDO:0007187.
Medulloblastoma (MDB). Also called: Medulloblastoma, somatic; MEDULLOBLASTOMA PREDISPOSITION SYNDROME. Identifiers: Orphanet 616, MedGen C0025149, MeSH D008527, MONDO:0007959, OMIM 155255, HP:0002885.

Submission:

Labcorp Genetics (formerly Invitae), Labcorp
Classification: Pathogenic for Gorlin syndrome; Medulloblastoma. Last evaluated: 2021-11-17. Review status: criteria provided, single submitter. Criteria: Invitae Variant Classification Sherloc (09022015). Collection method: clinical testing. Allele origin: germline.
Comment: For these reasons, this variant has been classified as Pathogenic. This variant has not been reported in the literature in individuals affected with SUFU-related conditions. This variant is not present in population databases (gnomAD no frequency). This sequence change creates a premature translational stop signal (p.Gln53*) in the SUFU gene. It is expected to result in an absent or disrupted protein product. Loss-of-function variants in SUFU are known to be pathogenic (PMID: 22508808, 25403219).

Literature cited by the submitters: PubMed 22508808; PubMed 25403219.